The following is an entry in ClinVar:

NM_001161403.3(LIMS2):c.20C>T (p.Ser7Leu)

Gene: LIMS2 (LIM zinc finger domain containing 2; minus strand). Cytogenetic location: 2q14.3.
Variant type: single nucleotide variant.
Coding change: c.20C>T on transcript NM_001161403.3 (MANE Select); coding-DNA position 20, C replaced by T.
Protein change: p.Ser7Leu; replaces serine 7 with leucine.
Molecular consequence: missense variant.
Genome position (GRCh38, 1-based): chr2:127,657,554, G>A on the plus strand (C>T on the coding strand, the complement: LIMS2 is on the minus strand). VCF-style: chr2-127657554-G-A. GRCh37 (hg19) VCF-style: chr2-128415128-G-A.
Other names: c.86C>T (NM_001136037.3); c.86C>T, p.Ser29Leu (NM_001136037.4); c.5C>T, p.Ser2Leu (NM_001161404.2); c.92C>T, p.Ser31Leu (NM_017980.5); short protein forms S7L, S2L, S29L, S31L.
Identifiers: ClinVar variation 1362387 (VCV001362387.8), dbSNP rs369093987, ClinGen allele CA1863603.

ClinVar aggregate classification (germline): Uncertain significance. Review status: criteria provided, multiple submitters, no conflicts (2 of 4 stars). 2 submissions from 2 submitters: Uncertain significance (2). Last evaluated 2023-05-01.

Conditions:
Autosomal recessive limb-girdle muscular dystrophy type 2W (MDRCMTT). Also called: Muscular dystrophy, autosomal recessive, with cardiomyopathy and triangular tongue; Muscular dystrophy, limb-girdle, type 2W. Identifiers: MedGen C4225192, MONDO:0014788, OMIM 616827.

Allele frequency attached by ClinVar (database versions not stated): TOPMed 0.00003; gnomAD 0.00004 and 0.00005; ESP Exome Variant Server 0.00008.
gnomAD v4.1: 22 of 1,599,976 alleles (0.0014%); highest among the groups gnomAD compares: South Asian, 0.0068%; no homozygotes.

Submissions (2):

Labcorp Genetics (formerly Invitae), Labcorp
Classification: Uncertain significance for Autosomal recessive limb-girdle muscular dystrophy type 2W. Last evaluated: 2023-05-01. Review status: criteria provided, single submitter. Criteria: Invitae Variant Classification Sherloc (09022015). Collection method: clinical testing. Allele origin: germline.
Comment: This sequence change replaces serine, which is neutral and polar, with leucine, which is neutral and non-polar, at codon 29 of the LIMS2 protein (p.Ser29Leu). This variant is present in population databases (rs369093987, gnomAD 0.006%). This variant has not been reported in the literature in individuals affected with LIMS2-related conditions. ClinVar contains an entry for this variant (Variation ID: 1362387). An algorithm developed to predict the effect of missense changes on protein structure and function (PolyPhen-2) suggests that this variant is likely to be tolerated. In summary, the available evidence is currently insufficient to determine the role of this variant in disease. Therefore, it has been classified as a Variant of Uncertain Significance.

Revvity Omics, Revvity
Classification: Uncertain significance for Autosomal recessive limb-girdle muscular dystrophy type 2W. Last evaluated: 2022-04-15. Review status: criteria provided, single submitter. Criteria: ACMG Guidelines, 2015. Collection method: clinical testing. Allele origin: germline.